The following is an entry in ClinVar:

ClinVar aggregate classification (germline): Uncertain significance. Review status: criteria provided, multiple submitters, no conflicts (2 of 4 stars). 2 submissions from 2 submitters: Uncertain significance (2). Last evaluated 2025-01-04.

Conditions:
Epileptic encephalopathy. Identifiers: MedGen C0543888, HP:0200134.

Allele frequency attached by ClinVar (database versions not stated): gnomAD 0.00003 and 0.00004; TOPMed 0.00003; ESP Exome Variant Server 0.00008.
gnomAD v4.1: 84 of 1,562,010 alleles (0.0054%); highest among the groups gnomAD compares: Non-Finnish European, 0.0065%; no homozygotes.

Submissions (2):

Ambry Genetics
Classification: Uncertain significance. Last evaluated: 2025-01-04. Review status: criteria provided, single submitter. Criteria: Ambry Variant Classification Scheme 2023. Collection method: clinical testing. Allele origin: germline.

Labcorp Genetics (formerly Invitae), Labcorp
Classification: Uncertain significance for Epileptic encephalopathy. Last evaluated: 2024-10-22. Review status: criteria provided, single submitter. Criteria: Invitae Variant Classification Sherloc (09022015). Collection method: clinical testing. Allele origin: germline.
Comment: This sequence change replaces threonine, which is neutral and polar, with methionine, which is neutral and non-polar, at codon 1271 of the FASN protein (p.Thr1271Met). The frequency data for this variant in the population databases is considered unreliable, as metrics indicate poor data quality at this position in the gnomAD database. This variant has not been reported in the literature in individuals affected with FASN-related conditions. ClinVar contains an entry for this variant (Variation ID: 1417939). An algorithm developed to predict the effect of missense changes on protein structure and function (PolyPhen-2) suggests that this variant is likely to be disruptive. In summary, the available evidence is currently insufficient to determine the role of this variant in disease. Therefore, it has been classified as a Variant of Uncertain Significance.

NM_004104.5(FASN):c.3812C>T (p.Thr1271Met)

Gene: FASN (fatty acid synthase; minus strand). Cytogenetic location: 17q25.3.
Variant type: single nucleotide variant.
Coding change: c.3812C>T on transcript NM_004104.5 (MANE Select); coding-DNA position 3812, C replaced by T.
Protein change: p.Thr1271Met; replaces threonine 1271 with methionine.
Molecular consequence: missense variant.
Genome position (GRCh38, 1-based): chr17:82,085,792, G>A on the plus strand (C>T on the coding strand, the complement: FASN is on the minus strand). VCF-style: chr17-82085792-G-A. GRCh37 (hg19) VCF-style: chr17-80043668-G-A.
Other names: c.3812C>T (NM_004104.4); short protein forms T1271M.
Identifiers: ClinVar variation 1417939 (VCV001417939.10), dbSNP rs374632164, ClinGen allele CA8852269.
Genomic context (GRCh38, chr17:82,085,792, plus strand): 5'-TCGTGCTGCTGCAGCTCGGCCTGGGCAGCCTCCAGGGCCTGGGGGTGGCGGTCGGTGGCC[G>A]TGTAGCTCAGCTGCAGCAGGGGATGGGGGCTGAGCAGGCCTGGGATGCGGGAATACAGGT-3'
Protein context (NP_004095.4, residues 1261-1281): SPHPLLQLSY[Thr1271Met]ATDRHPQALE